The following is an entry in ClinVar:

NM_025257.3(SLC44A4):c.951G>A (p.Ala317=)

Gene: SLC44A4 (solute carrier family 44 member 4; minus strand). Cytogenetic location: 6p21.33.
Variant type: single nucleotide variant.
Coding change: c.951G>A on transcript NM_025257.3 (MANE Select); coding-DNA position 951, G replaced by A.
Protein change: p.Ala317=; no amino-acid change (alanine 317 retained).
Molecular consequence: synonymous variant.
Genome position (GRCh38, 1-based): chr6:31,870,689, C>T on the plus strand (G>A on the coding strand, the complement: SLC44A4 is on the minus strand). VCF-style: chr6-31870689-C-T. GRCh37 (hg19) VCF-style: chr6-31838466-C-T.
Other names: c.825G>A, p.Ala275= (NM_001178044.2); c.723G>A, p.Ala241= (NM_001178045.2); c.951G>A, p.Ala317= (NM_032794.1).
Identifiers: ClinVar variation 3036100 (VCV003036100.2), dbSNP rs139832355, ClinGen allele CA3725529.

ClinVar aggregate classification (germline): Likely benign (0 of 4 stars; one submission).

Conditions:
SLC44A4-related disorder. Also called: SLC44A4-related condition.

Allele frequency attached by ClinVar (database versions not stated): gnomAD 0.00005; gnomAD exomes 0.00007; TOPMed 0.00007; ExAC 0.00012; ESP Exome Variant Server 0.00012.
gnomAD v4.1: 112 of 1,611,240 alleles (0.007%); highest among the groups gnomAD compares: Non-Finnish European, 0.0091%; no homozygotes.

Submission:

PreventionGenetics, part of Exact Sciences
Classification: Likely benign for SLC44A4-related condition. Last evaluated: 2023-05-16. Review status: no assertion criteria provided. Collection method: clinical testing. Allele origin: germline.
Comment: This variant is classified as likely benign based on ACMG/AMP sequence variant interpretation guidelines (Richards et al. 2015 PMID: 25741868, with internal and published modifications).